The following is an entry in ClinVar:

ClinVar aggregate classification (germline): Uncertain significance. Review status: criteria provided, multiple submitters, no conflicts (2 of 4 stars). 3 submissions from 3 submitters: Uncertain significance (3). Last evaluated 2025-09-23.

Conditions:
STAT3-related disorder. Also called: STAT3-related condition.
Hyper-IgE recurrent infection syndrome 1, autosomal dominant. Also called: JOB SYNDROME; Job's Syndrome; STAT3 Hyper IgE Syndrome; Hyper-IgE recurrent infection syndrome 1; HYPER-IgE SYNDROME 1, AUTOSOMAL DOMINANT, WITH RECURRENT INFECTIONS. Identifiers: Orphanet 2314, MedGen C2936739, MONDO:0007818, OMIM 147060.
STAT3 gain of function. Identifiers: MedGen C4288261.

Allele frequency attached by ClinVar (database versions not stated): TOPMed below 0.00001; ExAC 0.00001; gnomAD 0.00001; gnomAD exomes 0.00001; ESP Exome Variant Server 0.00008.
gnomAD v4.1: 17 of 1,614,122 alleles (0.0011%); highest among the groups gnomAD compares: Non-Finnish European, 0.0014%; no homozygotes.

Submissions (3):

Labcorp Genetics (formerly Invitae), Labcorp
Classification: Uncertain significance for STAT3 gain of function; Hyper-IgE recurrent infection syndrome 1, autosomal dominant. Last evaluated: 2025-09-23. Review status: criteria provided, single submitter. Criteria: Invitae Variant Classification Sherloc (09022015). Collection method: clinical testing. Allele origin: germline.
Comment: This sequence change replaces glutamine, which is neutral and polar, with histidine, which is basic and polar, at codon 198 of the STAT3 protein (p.Gln198His). This variant is present in population databases (rs374063766, gnomAD 0.003%). This variant has not been reported in the literature in individuals affected with STAT3-related conditions. ClinVar contains an entry for this variant (Variation ID: 1435232). Invitae Evidence Modeling of protein sequence and biophysical properties (such as structural, functional, and spatial information, amino acid conservation, physicochemical variation, residue mobility, and thermodynamic stability) indicates that this missense variant is not expected to disrupt STAT3 protein function with a negative predictive value of 80%. In summary, the available evidence is currently insufficient to determine the role of this variant in disease. Therefore, it has been classified as a Variant of Uncertain Significance.

PreventionGenetics, part of Exact Sciences
Classification: Uncertain significance for STAT3-related condition. Last evaluated: 2025-08-29. Review status: criteria provided, single submitter. Criteria: ACMG Guidelines, 2015. Collection method: clinical testing. Allele origin: germline.
Comment: The STAT3 c.594G>C variant is predicted to result in the amino acid substitution p.Gln198His. To our knowledge, this variant has not been reported in the literature. This variant is reported in 0.0026% of alleles in individuals of European (Non-Finnish) descent in gnomAD. At this time, the clinical significance of this variant is uncertain due to the absence of conclusive functional and genetic evidence.

Blueprint Genetics
Classification: Uncertain significance. Last evaluated: 2023-12-27. Review status: criteria provided, single submitter. Criteria: ACMG Guidelines, 2015. Collection method: clinical testing. Allele origin: germline.

NM_139276.3(STAT3):c.594G>C (p.Gln198His)

Genes: STAT3 (signal transducer and activator of transcription 3; minus strand), LOC130060889 (ATAC-STARR-seq lymphoblastoid silent region 8525; plus strand). Cytogenetic location: 17q21.2.
Variant type: single nucleotide variant.
Coding change: c.594G>C on transcript NM_139276.3 (MANE Select); coding-DNA position 594, G replaced by C.
Protein change: p.Gln198His; replaces glutamine 198 with histidine.
Molecular consequence: missense variant.
Genome position (GRCh38, 1-based): chr17:42,337,814, C>G on the plus strand (G>C on the coding strand, the complement: STAT3 is on the minus strand). VCF-style: chr17-42337814-C-G. GRCh37 (hg19) VCF-style: chr17-40489832-C-G.
Other names: c.594G>C, p.Gln198His (NM_001369512.1, NM_001369513.1, NM_001369514.1 and 15 more transcripts); c.594G>C (NM_139276.2); c.516G>C, p.Gln172His (NM_001384985.1); c.498G>C, p.Gln166His (NM_001384989.1); short protein forms Q198H, Q166H, Q172H.
Identifiers: ClinVar variation 1435232 (VCV001435232.8), dbSNP rs374063766, ClinGen allele CA8575597.
Genomic context (GRCh38, chr17:42,337,814, plus strand): 5'-TGCCCTTACTCTCCGCATCTGGTCCAGCGCAGTGAGCATCTGTTCCAGCTGCTGCATCTT[C>G]TGCCTGGTCACTGACTGGTTGTTTCCATTCAGATCTTGCATGTCTGCGAAGGAAGAAAAA-3'
Protein context (NP_644805.1, residues 188-208): LNGNNQSVTR[Gln198His]KMQQLEQMLT